The following is an entry in ClinVar:

NM_004036.5(ADCY3):c.3303G>A (p.Val1101=)

Genes: ADCY3 (adenylate cyclase 3; minus strand), CENPO (centromere protein O; plus strand). Cytogenetic location: 2p23.3.
Variant type: single nucleotide variant.
Coding change: c.3303G>A on transcript NM_004036.5 (MANE Select); coding-DNA position 3303, G replaced by A.
Protein change: p.Val1101=; no amino-acid change (valine 1101 retained).
Molecular consequence: synonymous variant. On other transcripts: 3 prime UTR variant (4), non-coding transcript variant (3).
Genome position (GRCh38, 1-based): chr2:24,820,064, C>T on the plus strand (G>A on the coding strand, the complement: ADCY3 is on the minus strand). VCF-style: chr2-24820064-C-T. GRCh37 (hg19) VCF-style: chr2-25042933-C-T.
Other names: c.3306G>A, p.Val1102= (NM_001320613.2); c.3369G>A, p.Val1123= (NM_001377128.1); c.3165G>A, p.Val1055= (NM_001377129.1); c.*44G>A (NM_001377130.1); c.2580G>A, p.Val860= (NM_001377131.1); c.3303G>A, p.Val1101= (NM_001377132.1); c.*746C>T (NM_001199803.3, NM_001322101.2, NM_024322.4).
Identifiers: ClinVar variation 3357575 (VCV003357575.1).

ClinVar aggregate classification (germline): Likely benign (0 of 4 stars; one submission).

Conditions:
ADCY3-related disorder. Also called: ADCY3-related condition.

Submission:

PreventionGenetics, part of Exact Sciences
Classification: Likely benign for ADCY3-related condition. Last evaluated: 2021-04-06. Review status: no assertion criteria provided. Collection method: clinical testing. Allele origin: germline.
Comment: This variant is classified as likely benign based on ACMG/AMP sequence variant interpretation guidelines (Richards et al. 2015 PMID: 25741868, with internal and published modifications).